The following is an entry in ClinVar:

NM_000038.6(APC):c.151C>T (p.Leu51=)

Gene: APC (APC regulator of Wnt signaling pathway; plus strand). Cytogenetic location: 5q22.2.
Variant type: single nucleotide variant.
Coding change: c.151C>T on transcript NM_000038.6 (MANE Select); coding-DNA position 151, C replaced by T.
Protein change: p.Leu51=; no amino-acid change (leucine 51 retained).
Molecular consequence: synonymous variant. On other transcripts: 5 prime UTR variant (4).
Genome position (GRCh38, 1-based): chr5:112,766,341, C>T. VCF-style: chr5-112766341-C-T. GRCh37 (hg19) VCF-style: chr5-112102038-C-T.
Other names: c.151C>T, p.Leu51= (NM_001127510.3, NM_001354895.2, NM_001354896.2 and 2 more transcripts); c.181C>T, p.Leu61= (NM_001127511.3, NM_001354897.2, NM_001354902.2); c.76C>T, p.Leu26= (NM_001354898.2, NM_001354904.2); c.-27C>T (NM_001354900.2, NM_001354901.2, NM_001354905.2); c.-885C>T (NM_001354906.2).
Identifiers: ClinVar variation 487056 (VCV000487056.16), dbSNP rs1554069497, ClinGen allele CA445752982.
Genomic context (GRCh38, chr5:112,766,341, plus strand): 5'-AGTTATTTAGAATTTCATGTTAATATATTGTGTTCTTTTTAACAGGAAGTACTTAAACAA[C>T]TACAAGGAAGTATTGAAGATGAAGCTATGGCTTCTTCTGGACAGATTGATTTATTAGAGC-3'
Protein context (NP_000029.2, residues 41-61): ASNMKEVLKQ[Leu51=]QGSIEDEAMA

ClinVar aggregate classification (germline): Benign/Likely benign. Review status: criteria provided, multiple submitters, no conflicts (2 of 4 stars). 4 submissions from 4 submitters: Benign (1); Likely benign (3). Last evaluated 2024-05-30.

Conditions:
Classic or attenuated familial adenomatous polyposis. Identifiers: MedGen CN372698, MONDO:0021057.
Hereditary cancer-predisposing syndrome. Also called: Tumor predisposition; Hereditary Cancer Syndrome; Hereditary neoplastic syndrome; Neoplastic Syndromes, Hereditary. Identifiers: Orphanet 140162, MedGen C0027672, MeSH D009386, MONDO:0015356.
Familial adenomatous polyposis 1 (FAP1). Also called: FAMILIAL ADENOMATOUS POLYPOSIS 1, ATTENUATED; POLYPOSIS, ADENOMATOUS INTESTINAL. Identifiers: MedGen C2713442, MONDO:0021056, OMIM 175100. Disease mechanism: loss of function.

Submissions (4):

All of Us Research Program, National Institutes of Health
Classification: Likely benign for Classic or attenuated familial adenomatous polyposis. Last evaluated: 2024-05-30. Review status: criteria provided, single submitter. Criteria: ACMG Guidelines, 2015. Collection method: clinical testing. Allele origin: germline. Inheritance: Autosomal dominant inheritance. Observed: 1 variant allele, 1 heterozygote.
Comment: This study involves interpretation of variants in research participants for the purpose of population health screening. Participant phenotype was not available at the time of variant classification. Additional details can be found in publication PMID: 35346344, PMCID: PMC8962531

Myriad Genetics, Inc.
Classification: Benign for Familial adenomatous polyposis 1. Last evaluated: 2024-02-22. Review status: criteria provided, single submitter. Criteria: Myriad Autosomal Dominant, Autosomal Recessive and X-Linked Classification Criteria (2023). Collection method: clinical testing. Allele origin: unknown.
Comment: This variant is considered benign. This variant is a silent/synonymous amino acid change and it is not expected to impact splicing.

Labcorp Genetics (formerly Invitae), Labcorp
Classification: Likely benign for Familial adenomatous polyposis 1. Last evaluated: 2023-12-12. Review status: criteria provided, single submitter. Criteria: Invitae Variant Classification Sherloc (09022015). Collection method: clinical testing. Allele origin: germline.

Ambry Genetics
Classification: Likely benign for Hereditary cancer-predisposing syndrome. Last evaluated: 2017-05-31. Review status: criteria provided, single submitter. Criteria: Ambry Variant Classification Scheme 2023. Collection method: clinical testing. Allele origin: germline.